The following is an entry in ClinVar:

NM_001164508.2(NEB):c.8029A>G (p.Lys2677Glu)

Gene: NEB (nebulin; minus strand). Cytogenetic location: 2q23.3.
Variant type: single nucleotide variant.
Coding change: c.8029A>G on transcript NM_001164508.2 (MANE Select); coding-DNA position 8029, A replaced by G.
Protein change: p.Lys2677Glu; replaces lysine 2677 with glutamic acid.
Molecular consequence: missense variant.
Genome position (GRCh38, 1-based): chr2:151,643,281, T>C on the plus strand (A>G on the coding strand, the complement: NEB is on the minus strand). VCF-style: chr2-151643281-T-C. GRCh37 (hg19) VCF-style: chr2-152499795-T-C.
Other names: c.8029A>G, p.Lys2677Glu (NM_001164507.2, NM_001271208.2, NM_004543.5); short protein forms K2677E.
Identifiers: ClinVar variation 1956838 (VCV001956838.2), dbSNP rs2552246990, ClinGen allele CA348813705.

ClinVar aggregate classification (germline): Uncertain significance (1 of 4 stars; one submission).

Conditions:
Nemaline myopathy 2 (NEM2). Also called: Nemaline myopathy 2, autosomal recessive. Identifiers: MedGen C1850569, MONDO:0009725, OMIM 256030.

Allele frequency attached by ClinVar (database versions not stated): gnomAD exomes below 0.00001.
gnomAD v4.1: 1 of 1,613,958 alleles (0.000062%); highest among the groups gnomAD compares: Non-Finnish European, 0.000085%; no homozygotes.

Submission:

Labcorp Genetics (formerly Invitae), Labcorp
Classification: Uncertain significance for Nemaline myopathy 2. Last evaluated: 2021-06-23. Review status: criteria provided, single submitter. Criteria: Invitae Variant Classification Sherloc (09022015). Collection method: clinical testing. Allele origin: germline.
Comment: This sequence change replaces lysine with glutamic acid at codon 2677 of the NEB protein (p.Lys2677Glu). The lysine residue is moderately conserved and there is a small physicochemical difference between lysine and glutamic acid. This variant is not present in population databases (ExAC no frequency). This variant has not been reported in the literature in individuals with NEB-related conditions. Algorithms developed to predict the effect of missense changes on protein structure and function are either unavailable or do not agree on the potential impact of this missense change (SIFT: "Deleterious"; PolyPhen-2: "Not Available"; Align-GVGD: "Class C0"). In summary, the available evidence is currently insufficient to determine the role of this variant in disease. Therefore, it has been classified as a Variant of Uncertain Significance.